The following is an entry in ClinVar:

NM_006514.4(SCN10A):c.271-8T>C

Gene: SCN10A (sodium voltage-gated channel alpha subunit 10; minus strand). Cytogenetic location: 3p22.2.
Variant type: single nucleotide variant.
Coding change: c.271-8T>C on transcript NM_006514.4 (MANE Select); 8 bases into the intron before coding-DNA position 271, T replaced by C.
Molecular consequence: intron variant.
Genome position (GRCh38, 1-based): chr3:38,792,176, A>G on the plus strand (T>C on the coding strand, the complement: SCN10A is on the minus strand). VCF-style: chr3-38792176-A-G. GRCh37 (hg19) VCF-style: chr3-38833667-A-G.
Other names: c.271-8T>C (NM_001293307.2, NM_001293306.2, NM_006514.3).
Identifiers: ClinVar variation 1530330 (VCV001530330.9), dbSNP rs546214652, ClinGen allele CA542276118.

ClinVar aggregate classification (germline): Likely benign. Review status: criteria provided, multiple submitters, no conflicts (2 of 4 stars). 2 submissions from 2 submitters: Likely benign (2). Last evaluated 2026-02-13.

Conditions:
SCN10A-related disorder. Also called: SCN10A-related condition.
Brugada syndrome. Also called: Sudden unexpected nocturnal death syndrome; Sudden unexplained nocturnal death syndrome; Sudden Unexplained Death Syndrome; Sudden Unexplained Nocturnal Death Syndrome (SUNDS). Identifiers: Orphanet 130, MedGen C1142166, MONDO:0015263.

Allele frequency attached by ClinVar (database versions not stated): TOPMed below 0.00001; gnomAD 0.00001.
gnomAD v4.1: 48 of 1,611,966 alleles (0.003%); highest among the groups gnomAD compares: Non-Finnish European, 0.0038%; no homozygotes.

Submissions (2):

PreventionGenetics, part of Exact Sciences
Classification: Likely benign for SCN10A-related condition. Last evaluated: 2026-02-13. Review status: criteria provided, single submitter. Criteria: ACMG Guidelines, 2015. Collection method: clinical testing. Allele origin: germline.
Comment: This variant is classified as likely benign based on ACMG/AMP sequence variant interpretation guidelines (Richards et al. 2015 PMID: 25741868, with internal and published modifications).

Labcorp Genetics (formerly Invitae), Labcorp
Classification: Likely benign for Brugada syndrome. Last evaluated: 2024-12-08. Review status: criteria provided, single submitter. Criteria: Invitae Variant Classification Sherloc (09022015). Collection method: clinical testing. Allele origin: germline.